The following is an entry in ClinVar:

NM_001040108.2(MLH3):c.146C>T (p.Thr49Ile)

Gene: MLH3 (mutL homolog 3; minus strand). Cytogenetic location: 14q24.3.
Variant type: single nucleotide variant.
Coding change: c.146C>T on transcript NM_001040108.2 (MANE Select); coding-DNA position 146, C replaced by T.
Protein change: p.Thr49Ile; replaces threonine 49 with isoleucine.
Molecular consequence: missense variant.
Genome position (GRCh38, 1-based): chr14:75,049,510, G>A on the plus strand (C>T on the coding strand, the complement: MLH3 is on the minus strand). VCF-style: chr14-75049510-G-A. GRCh37 (hg19) VCF-style: chr14-75516213-G-A.
Other names: c.146C>T, p.Thr49Ile (NM_014381.3); short protein forms T49I.
Identifiers: ClinVar variation 2623791 (VCV002623791.2), dbSNP rs2139612601, ClinGen allele CA390451481.

ClinVar aggregate classification (germline): Uncertain significance (1 of 4 stars; one submission).

Submission:

Ambry Genetics
Classification: Uncertain significance. Last evaluated: 2023-08-26. Review status: criteria provided, single submitter. Criteria: Ambry Variant Classification Scheme 2023. Collection method: clinical testing. Allele origin: germline.
Comment: The p.T49I variant (also known as c.146C>T), located in coding exon 1 of the MLH3 gene, results from a C to T substitution at nucleotide position 146. The threonine at codon 49 is replaced by isoleucine, an amino acid with similar properties. This amino acid position is not well conserved in available vertebrate species, and isoleucine is the reference amino acid in other vertebrate species. In addition, the in silico prediction for this alteration is inconclusive. The evidence for this gene-disease relationship is limited; therefore, the clinical significance of this alteration is unclear.